The following is an entry in ClinVar:

ClinVar aggregate classification (germline): Uncertain significance (1 of 4 stars; one submission).

Submission:

Labcorp Genetics (formerly Invitae), Labcorp
Classification: Uncertain significance. Last evaluated: 2022-01-26. Review status: criteria provided, single submitter. Criteria: Invitae Variant Classification Sherloc (09022015). Collection method: clinical testing. Allele origin: germline.
Comment: In summary, the available evidence is currently insufficient to determine the role of this variant in disease. Therefore, it has been classified as a Variant of Uncertain Significance. Algorithms developed to predict the effect of missense changes on protein structure and function are either unavailable or do not agree on the potential impact of this missense change (SIFT: "Deleterious"; PolyPhen-2: "Probably Damaging"; Align-GVGD: "Class C15"). ClinVar contains an entry for this variant (Variation ID: 1001703). This variant has not been reported in the literature in individuals affected with CTNNA1-related conditions. This variant is not present in population databases (gnomAD no frequency). This sequence change replaces asparagine, which is neutral and polar, with tyrosine, which is neutral and polar, at codon 802 of the CTNNA1 protein (p.Asn802Tyr).

NM_001903.5(CTNNA1):c.2404A>T (p.Asn802Tyr)

Gene: CTNNA1 (catenin alpha 1; plus strand). Cytogenetic location: 5q31.2.
Variant type: single nucleotide variant.
Coding change: c.2404A>T on transcript NM_001903.5 (MANE Select); coding-DNA position 2404, A replaced by T.
Protein change: p.Asn802Tyr; replaces asparagine 802 with tyrosine.
Molecular consequence: missense variant. On other transcripts: intron variant (1).
Genome position (GRCh38, 1-based): chr5:138,932,683, A>T. VCF-style: chr5-138932683-A-T. GRCh37 (hg19) VCF-style: chr5-138268372-A-T.
Other names: c.2404A>T, p.Asn802Tyr (NM_001290307.3, NM_001323982.2, NM_001323983.1 and 2 more transcripts); c.2095A>T, p.Asn699Tyr (NM_001290309.3); c.2035A>T, p.Asn679Tyr (NM_001290310.3); c.1294A>T, p.Asn432Tyr (NM_001290312.1, NM_001323987.1, NM_001323988.1 and 16 more transcripts); c.2311A>T, p.Asn771Tyr (NM_001323986.2); c.955A>T, p.Asn319Tyr (NM_001324006.1, NM_001324007.1, NM_001324008.1 and 2 more transcripts); c.1201A>T, p.Asn401Tyr (NM_001324011.1); c.1051A>T, p.Asn351Tyr (NM_001324012.1, NM_001324013.1); and 1 more; short protein forms N319Y, N351Y, N401Y, N432Y, N679Y, N699Y, N771Y, N802Y.
Identifiers: ClinVar variation 1001703 (VCV001001703.8), dbSNP rs1765626555, ClinGen allele CA361134512.
Genomic context (GRCh38, chr5:138,932,683, plus strand): 5'-CGCATCGCCCTCTACTGCCACCAGCTGAACATCTGCAGCAAGGTCAAGGCCGAGGTGCAG[A>T]ATCTCGGCGGGGAGCTTGTTGTCTCTGGGGTAAGCATTAGCTGAACAAAAAGAGGGCCAG-3'
Protein context (NP_001894.2, residues 792-812): ICSKVKAEVQ[Asn802Tyr]LGGELVVSGV